The following is an entry in ClinVar:

ClinVar aggregate classification (germline): Uncertain significance (1 of 4 stars; one submission).

Conditions:
Inborn genetic diseases. Identifiers: MedGen C0950123, MeSH D030342.

Allele frequency attached by ClinVar (database versions not stated): gnomAD 0.00001; TOPMed 0.00001; ExAC 0.00007.
gnomAD v4.1: 3 of 1,601,674 alleles (0.00019%); highest among the groups gnomAD compares: Admixed American, 0.0017%; no homozygotes.

Submission:

Ambry Genetics
Classification: Uncertain significance for Inborn genetic diseases. Last evaluated: 2024-02-04. Review status: criteria provided, single submitter. Criteria: Ambry Variant Classification Scheme 2023. Collection method: clinical testing. Allele origin: germline.
Comment: The p.T458I variant (also known as c.1373C>T), located in coding exon 10 of the EPAS1 gene, results from a C to T substitution at nucleotide position 1373. The threonine at codon 458 is replaced by isoleucine, an amino acid with similar properties. This amino acid position is conserved. In addition, this alteration is predicted to be tolerated by in silico analysis. Since supporting evidence is limited at this time, the clinical significance of this alteration remains unclear.

NM_001430.5(EPAS1):c.1373C>T (p.Thr458Ile)

Gene: EPAS1 (endothelial PAS domain protein 1; plus strand). Cytogenetic location: 2p21.
Variant type: single nucleotide variant.
Coding change: c.1373C>T on transcript NM_001430.5 (MANE Select); coding-DNA position 1373, C replaced by T.
Protein change: p.Thr458Ile; replaces threonine 458 with isoleucine.
Molecular consequence: missense variant.
Genome position (GRCh38, 1-based): chr2:46,378,017, C>T. VCF-style: chr2-46378017-C-T. GRCh37 (hg19) VCF-style: chr2-46605156-C-T.
Other names: short protein forms T458I.
Identifiers: ClinVar variation 1771094 (VCV001771094.2), dbSNP rs759002750, ClinGen allele CA1644962.
Genomic context (GRCh38, chr2:46,378,017, plus strand): 5'-GGGCCACGGAGTTGAGGAGCCACAGCACCCAGAGCGAGGCTGGGAGCCTGCCTGCCTTCA[C>T]CGTGCCCCAGGCAGCTGCCCCGGGCAGCACCACCCCCAGTGCCACCAGCAGCAGCAGCAG-3'
Protein context (NP_001421.2, residues 448-468): QSEAGSLPAF[Thr458Ile]VPQAAAPGST